The following is an entry in ClinVar:

ClinVar aggregate classification (germline): Uncertain significance. Review status: criteria provided, multiple submitters, no conflicts (2 of 4 stars). 4 submissions from 3 submitters: Uncertain significance (3). 1 of the submissions does not count toward it. Last evaluated 2024-04-16.

Conditions:
Retinitis pigmentosa 39 (RP39). Identifiers: Orphanet 791, MedGen C3151138, MONDO:0013436, OMIM 613809.
Usher syndrome type 2A. Also called: RETINAL DISEASE IN USHER SYNDROME TYPE IIA, MODIFIER OF; USHER SYNDROME, TYPE IIA. Identifiers: Orphanet 231178, Orphanet 886, MedGen C1848634, MONDO:0010169, OMIM 276901.

Allele frequency attached by ClinVar (database versions not stated): 1000 Genomes Project 30x 0.00031.
gnomAD v4.1: 5 of 1,613,368 alleles (0.00031%); highest among the groups gnomAD compares: Admixed American, 0.0067%; no homozygotes.

Submissions (4):

Labcorp Genetics (formerly Invitae), Labcorp
Classification: Uncertain significance. Last evaluated: 2024-04-16. Review status: criteria provided, single submitter. Criteria: Invitae Variant Classification Sherloc (09022015). Collection method: clinical testing. Allele origin: germline.
Comment: This sequence change replaces alanine, which is neutral and non-polar, with serine, which is neutral and polar, at codon 416 of the USH2A protein (p.Ala416Ser). This variant is not present in population databases (gnomAD no frequency). This variant has not been reported in the literature in individuals affected with USH2A-related conditions. ClinVar contains an entry for this variant (Variation ID: 555114). Advanced modeling of protein sequence and biophysical properties (such as structural, functional, and spatial information, amino acid conservation, physicochemical variation, residue mobility, and thermodynamic stability) has been performed at Invitae for this missense variant, however the output from this modeling did not meet the statistical confidence thresholds required to predict the impact of this variant on USH2A protein function. In summary, the available evidence is currently insufficient to determine the role of this variant in disease. Therefore, it has been classified as a Variant of Uncertain Significance.

Genome-Nilou Lab
Classification: Uncertain significance for Retinitis pigmentosa 39. Last evaluated: 2023-11-04. Review status: criteria provided, single submitter. Criteria: ACMG Guidelines, 2015. Collection method: clinical testing. Allele origin: germline. Affected: no.

Genome-Nilou Lab
Classification: Uncertain significance for Usher syndrome type 2A. Last evaluated: 2023-11-04. Review status: criteria provided, single submitter. Criteria: ACMG Guidelines, 2015. Collection method: clinical testing. Allele origin: germline. Affected: no.

Counsyl
Classification: Uncertain significance for Usher syndrome type 2A; Retinitis pigmentosa 39. Last evaluated: 2017-11-17. Review status: no assertion criteria provided. Collection method: clinical testing. Allele origin: unknown. Not counted in ClinVar's aggregate classification.

Literature cited by the submitters: PubMed 28005958 (cited by Counsyl).

NM_206933.4(USH2A):c.1246G>T (p.Ala416Ser)

Gene: USH2A (usherin; minus strand). Cytogenetic location: 1q41.
Variant type: single nucleotide variant.
Coding change: c.1246G>T on transcript NM_206933.4 (MANE Select); coding-DNA position 1246, G replaced by T.
Protein change: p.Ala416Ser; replaces alanine 416 with serine.
Molecular consequence: missense variant.
Genome position (GRCh38, 1-based): chr1:216,324,250, C>A on the plus strand (G>T on the coding strand, the complement: USH2A is on the minus strand). VCF-style: chr1-216324250-C-A. GRCh37 (hg19) VCF-style: chr1-216497592-C-A.
Other names: c.1246G>T, p.Ala416Ser (NM_007123.6); short protein forms A416S.
Identifiers: ClinVar variation 555114 (VCV000555114.9), dbSNP rs187897763, ClinGen allele CA1396565.